The following is an entry in ClinVar:

ClinVar aggregate classification (germline): Uncertain significance. Review status: criteria provided, multiple submitters, no conflicts (2 of 4 stars). 2 submissions from 2 submitters: Uncertain significance (2). Last evaluated 2024-09-30.

Conditions:
Inborn genetic diseases. Identifiers: MedGen C0950123, MeSH D030342.

Allele frequency attached by ClinVar (database versions not stated): gnomAD exomes 0.00001; TOPMed 0.00001; ExAC 0.00002.
gnomAD v4.1: 7 of 1,552,340 alleles (0.00045%); highest among the groups gnomAD compares: Admixed American, 0.0092%; no homozygotes.

Submissions (2):

Ambry Genetics
Classification: Uncertain significance for Inborn genetic diseases. Last evaluated: 2024-09-30. Review status: criteria provided, single submitter. Criteria: Ambry Variant Classification Scheme 2023. Collection method: clinical testing. Allele origin: germline.

Labcorp Genetics (formerly Invitae), Labcorp
Classification: Uncertain significance. Last evaluated: 2022-02-08. Review status: criteria provided, single submitter. Criteria: Invitae Variant Classification Sherloc (09022015). Collection method: clinical testing. Allele origin: germline.
Comment: This sequence change replaces valine, which is neutral and non-polar, with methionine, which is neutral and non-polar, at codon 1448 of the MAST1 protein (p.Val1448Met). This variant is present in population databases (rs745998563, gnomAD 0.02%). This variant has not been reported in the literature in individuals affected with MAST1-related conditions. Algorithms developed to predict the effect of missense changes on protein structure and function (SIFT, PolyPhen-2, Align-GVGD) all suggest that this variant is likely to be tolerated. In summary, the available evidence is currently insufficient to determine the role of this variant in disease. Therefore, it has been classified as a Variant of Uncertain Significance.

NM_014975.3(MAST1):c.4342G>A (p.Val1448Met)

Gene: MAST1 (microtubule associated serine/threonine kinase 1; plus strand). Cytogenetic location: 19p13.13.
Variant type: single nucleotide variant.
Coding change: c.4342G>A on transcript NM_014975.3 (MANE Select); coding-DNA position 4342, G replaced by A.
Protein change: p.Val1448Met; replaces valine 1448 with methionine.
Molecular consequence: missense variant.
Genome position (GRCh38, 1-based): chr19:12,874,499, G>A. VCF-style: chr19-12874499-G-A. GRCh37 (hg19) VCF-style: chr19-12985313-G-A.
Other names: c.4342G>A (NM_014975.2); short protein forms V1448M.
Identifiers: ClinVar variation 1949711 (VCV001949711.6), dbSNP rs745998563, ClinGen allele CA9233548.